The following is an entry in ClinVar:

NM_019055.6(ROBO4):c.691T>C (p.Tyr231His)

Gene: ROBO4 (roundabout guidance receptor 4; minus strand). Cytogenetic location: 11q24.2.
Variant type: single nucleotide variant.
Coding change: c.691T>C on transcript NM_019055.6 (MANE Select); coding-DNA position 691, T replaced by C.
Protein change: p.Tyr231His; replaces tyrosine 231 with histidine.
Molecular consequence: missense variant.
Genome position (GRCh38, 1-based): chr11:124,895,901, A>G on the plus strand (T>C on the coding strand, the complement: ROBO4 is on the minus strand). VCF-style: chr11-124895901-A-G. GRCh37 (hg19) VCF-style: chr11-124765797-A-G.
Other names: c.256T>C, p.Tyr86His (NM_001301088.2); short protein forms Y231H, Y86H.
Identifiers: ClinVar variation 3025481 (VCV003025481.22), dbSNP rs149517154, ClinGen allele CA230411681.
Genomic context (GRCh38, chr11:124,895,901, plus strand): 5'-TCAGCAGTGTCACATTTTCCAGCTGAATTCGCACAGCCAGAAGCTCCACAGGCTCCGTGT[A>G]GTCCTGGGGCTCTGTGGGGAGGATAGGGCTGGGCTGGGGCTTATAGGCCAGAGTGACAGA-3'
Protein context (NP_061928.4, residues 221-241): ARVSIQEPQD[Tyr231His]TEPVELLAVR

ClinVar aggregate classification (germline): Uncertain significance (1 of 4 stars; one submission).

Allele frequency attached by ClinVar (database versions not stated): ESP Exome Variant Server 0.00008.
gnomAD v4.1: 7 of 1,613,828 alleles (0.00043%); highest among the groups gnomAD compares: Middle Eastern, 0.017%; no homozygotes.

Submission:

CeGaT Center for Human Genetics Tuebingen
Classification: Uncertain significance. Last evaluated: 2024-01-01. Review status: criteria provided, single submitter. Criteria: CeGaT Center For Human Genetics Tuebingen Variant Classification Criteria Version 2. Collection method: clinical testing. Allele origin: germline. Affected: yes. Observed: 1 variant allele.
Comment: ROBO4: PM2, BP4